The following is an entry in ClinVar:

NM_002907.4(RECQL):c.643C>T (p.Arg215Ter)

Gene: RECQL (RecQ like helicase; minus strand). Cytogenetic location: 12p12.1.
Variant type: single nucleotide variant.
Coding change: c.643C>T on transcript NM_002907.4 (MANE Select); coding-DNA position 643, C replaced by T.
Protein change: p.Arg215Ter; replaces arginine 215 with a stop codon.
Molecular consequence: nonsense.
Genome position (GRCh38, 1-based): chr12:21,483,433, G>A on the plus strand (C>T on the coding strand, the complement: RECQL is on the minus strand). VCF-style: chr12-21483433-G-A. GRCh37 (hg19) VCF-style: chr12-21636367-G-A.
Other names: c.643C>T, p.Arg215Ter (NM_032941.3); short protein forms R215*.
Identifiers: ClinVar variation 969172 (VCV000969172.13), dbSNP rs376839517, ClinGen allele CA6479020.

ClinVar aggregate classification (germline): Uncertain significance. Review status: criteria provided, multiple submitters, no conflicts (2 of 4 stars). 3 submissions from 3 submitters: Uncertain significance (3). Last evaluated 2025-03-03.

Allele frequency attached by ClinVar (database versions not stated): TOPMed 0.00001; ESP Exome Variant Server 0.00008.

Submissions (3):

Labcorp Genetics (formerly Invitae), Labcorp
Classification: Uncertain significance. Last evaluated: 2025-03-03. Review status: criteria provided, single submitter. Criteria: Invitae Variant Classification Sherloc (09022015). Collection method: clinical testing. Allele origin: germline.
Comment: This sequence change creates a premature translational stop signal (p.Arg215*) in the RECQL gene. It is expected to result in an absent or disrupted protein product. However, the current clinical and genetic evidence is not sufficient to establish whether loss-of-function variants in RECQL cause disease. This variant is present in population databases (rs376839517, gnomAD 0.003%). This premature translational stop signal has been observed in individual(s) with breast or colorectal cancer (PMID: 25915596, 30267214, 30610487). ClinVar contains an entry for this variant (Variation ID: 969172). In summary, the available evidence is currently insufficient to determine the role of this variant in disease. Therefore, it has been classified as a Variant of Uncertain Significance.

Ambry Genetics
Classification: Uncertain significance. Last evaluated: 2024-09-10. Review status: criteria provided, single submitter. Criteria: Ambry Variant Classification Scheme 2023. Collection method: clinical testing. Allele origin: germline.
Comment: The p.R215* variant (also known as c.643C>T), located in coding exon 5 of the RECQL gene, results from a C to T substitution at nucleotide position 643. This changes the amino acid from an arginine to a stop codon within coding exon 5. This alteration is expected to result in loss of function by premature protein truncation or nonsense-mediated mRNA decay. The evidence for this gene-disease relationship is limited; therefore, the clinical significance of this alteration is unclear.

GeneDx
Classification: Uncertain significance. Last evaluated: 2023-07-20. Review status: criteria provided, single submitter. Criteria: GeneDx Variant Classification Process June 2021. Collection method: clinical testing. Allele origin: germline. Affected: yes.
Comment: Not observed at significant frequency in large population cohorts (gnomAD); Nonsense variant predicted to result in protein truncation or nonsense mediated decay in a gene for which loss of function is a known mechanism of disease; Variants in candidate genes are classified as variants of uncertain significance in accordance with ACMG guidelines (Richards et al., 2015); This variant is associated with the following publications: (PMID: 25915596, 29555771, 26125302, 29351780, 27832498, 27226120, 30610487, 31980526, 34298626, 32517021, 30267214, 34654685, 34106577, 33471991)

Literature cited by the submitters: PubMed 25915596 (cited by Labcorp Genetics (formerly Invitae), Labcorp and Ambry Genetics); PubMed 30267214 (cited by Labcorp Genetics (formerly Invitae), Labcorp and Ambry Genetics); PubMed 30610487 (cited by Labcorp Genetics (formerly Invitae), Labcorp); PubMed 29555771 (cited by Ambry Genetics).